The following is an entry in ClinVar:

ClinVar aggregate classification (germline): Likely benign. Review status: criteria provided, multiple submitters, no conflicts (2 of 4 stars). 4 submissions from 4 submitters: Likely benign (4). Last evaluated 2025-10-21.

Conditions:
Autosomal recessive limb-girdle muscular dystrophy type 2J (LGMDR10). Also called: Limb-girdle muscular dystrophy, type 2J; MUSCULAR DYSTROPHY, LIMB-GIRDLE, AUTOSOMAL RECESSIVE 10. Identifiers: Orphanet 140922, MedGen C1837342, MONDO:0012127, OMIM 608807.
Dilated cardiomyopathy 1G (CMD1G). Identifiers: Orphanet 154, MedGen C1858763, MONDO:0011400, OMIM 604145.
Cardiovascular phenotype. Identifiers: MedGen CN230736.
TTN-related disorder. Also called: TTN-related condition; TTN-related disease; TTN-related disorders.

Allele frequency attached by ClinVar (database versions not stated): gnomAD 0.00001 and 0.00002; TOPMed 0.00001; gnomAD exomes 0.00002 and 0.00006; ESP Exome Variant Server 0.00008; ExAC 0.00009; 1000 Genomes Project 30x 0.00016; 1000 Genomes Project 0.00020.
gnomAD v4.1: 36 of 1,612,812 alleles (0.0022%); highest among the groups gnomAD compares: South Asian, 0.034%; no homozygotes.

Submissions (4):

PreventionGenetics, part of Exact Sciences
Classification: Likely benign for TTN-related condition. Last evaluated: 2025-10-21. Review status: criteria provided, single submitter. Criteria: ACMG Guidelines, 2015. Collection method: clinical testing. Allele origin: germline.
Comment: This variant is classified as likely benign based on ACMG/AMP sequence variant interpretation guidelines (Richards et al. 2015 PMID: 25741868, with internal and published modifications).

Labcorp Genetics (formerly Invitae), Labcorp
Classification: Likely benign for Dilated cardiomyopathy 1G; Autosomal recessive limb-girdle muscular dystrophy type 2J. Last evaluated: 2025-07-27. Review status: criteria provided, single submitter. Criteria: Invitae Variant Classification Sherloc (09022015). Collection method: clinical testing. Allele origin: germline.

Women's Health and Genetics/Laboratory Corporation of America, LabCorp
Classification: Likely benign. Last evaluated: 2025-05-12. Review status: criteria provided, single submitter. Criteria: LabCorp Variant Classification Summary - May 2015. Collection method: clinical testing. Allele origin: germline.

Ambry Genetics
Classification: Likely benign for Cardiovascular phenotype. Last evaluated: 2017-07-19. Review status: criteria provided, single submitter. Criteria: Ambry Variant Classification Scheme 2023. Collection method: clinical testing. Allele origin: germline.

NM_001267550.2(TTN):c.97542T>C (p.Asp32514=)

Genes: TTN (titin; minus strand), TTN-AS1 (TTN antisense RNA 1; plus strand). Cytogenetic location: 2q31.2.
Variant type: single nucleotide variant.
Coding change: c.97542T>C on transcript NM_001267550.2 (MANE Select); coding-DNA position 97542, T replaced by C.
Protein change: p.Asp32514=; no amino-acid change (aspartic acid 32514 retained).
Molecular consequence: synonymous variant.
Genome position (GRCh38, 1-based): chr2:178,541,535, A>G on the plus strand (T>C on the coding strand, the complement: TTN is on the minus strand). VCF-style: chr2-178541535-A-G. GRCh37 (hg19) VCF-style: chr2-179406262-A-G.
Other names: c.92619T>C, p.Asp30873= (NM_001256850.1); c.70347T>C, p.Asp23449= (NM_003319.4); c.89838T>C, p.Asp29946= (NM_133378.4); c.70722T>C, p.Asp23574= (NM_133432.3); c.70923T>C, p.Asp23641= (NM_133437.4).
Identifiers: ClinVar variation 518689 (VCV000518689.10), dbSNP rs373909743, ClinGen allele CA1986527.